The following is an entry in ClinVar:

NM_152564.5(VPS13B):c.1554T>C (p.Thr518=)

Gene: VPS13B (vacuolar protein sorting 13 homolog B; plus strand). Cytogenetic location: 8q22.2.
Variant type: single nucleotide variant.
Coding change: c.1554T>C on transcript NM_152564.5 (MANE Select); coding-DNA position 1554, T replaced by C.
Protein change: p.Thr518=; no amino-acid change (threonine 518 retained).
Molecular consequence: synonymous variant.
Genome position (GRCh38, 1-based): chr8:99,135,724, T>C. VCF-style: chr8-99135724-T-C. GRCh37 (hg19) VCF-style: chr8-100147952-T-C.
Other names: c.1554T>C, p.Thr518= (NM_015243.3, NM_017890.5).
Identifiers: ClinVar variation 2162769 (VCV002162769.6), dbSNP rs139849251, ClinGen allele CA4822654.

ClinVar aggregate classification (germline): Likely benign. Review status: criteria provided, single submitter (1 of 4 stars). 2 submissions from 2 submitters: Likely benign (1). 1 of the submissions does not count toward it. Last evaluated 2024-02-16.

Conditions:
Cohen syndrome (COH1). Also called: Cutis verticis gyrata, retinitis pigmentosa, and sensorineural deafness; PEPPER SYNDROME. Identifiers: Orphanet 193, MedGen C0265223, MONDO:0008999, OMIM 216550.
VPS13B-related disorder. Also called: VPS13B-related condition.

Allele frequency attached by ClinVar (database versions not stated): TOPMed 0.00001; ExAC 0.00002; gnomAD 0.00002; gnomAD exomes 0.00003; ESP Exome Variant Server 0.00008.
gnomAD v4.1: 45 of 1,613,144 alleles (0.0028%); highest among the groups gnomAD compares: Non-Finnish European, 0.0035%; no homozygotes.

Submissions (2):

Labcorp Genetics (formerly Invitae), Labcorp
Classification: Likely benign for Cohen syndrome. Last evaluated: 2024-02-16. Review status: criteria provided, single submitter. Criteria: Invitae Variant Classification Sherloc (09022015). Collection method: clinical testing. Allele origin: germline.

PreventionGenetics, part of Exact Sciences
Classification: Likely benign for VPS13B-related condition. Last evaluated: 2019-03-08. Review status: no assertion criteria provided. Collection method: clinical testing. Allele origin: germline. Not counted in ClinVar's aggregate classification.
Comment: This variant is classified as likely benign based on ACMG/AMP sequence variant interpretation guidelines (Richards et al. 2015 PMID: 25741868, with internal and published modifications).